The following is an entry in ClinVar:

NM_022356.4(P3H1):c.2055+193G>A

Gene: P3H1 (prolyl 3-hydroxylase 1; minus strand). Cytogenetic location: 1p34.2.
Variant type: single nucleotide variant.
Coding change: c.2055+193G>A on transcript NM_022356.4 (MANE Select); 193 bases into the intron after coding-DNA position 2055, G replaced by A.
Molecular consequence: intron variant. On other transcripts: missense variant (1).
Genome position (GRCh38, 1-based): chr1:42,747,079, C>T on the plus strand (G>A on the coding strand, the complement: P3H1 is on the minus strand). VCF-style: chr1-42747079-C-T. GRCh37 (hg19) VCF-style: chr1-43212750-C-T.
Other names: c.2248G>A, p.Gly750Arg (NM_001243246.2); c.2074+174G>A (NM_001146289.2); short protein forms G750R.
Identifiers: ClinVar variation 440017 (VCV000440017.51), dbSNP rs116577636, ClinGen allele CA801562.

ClinVar aggregate classification (germline): Benign/Likely benign. Review status: criteria provided, multiple submitters, no conflicts (2 of 4 stars). 4 submissions from 4 submitters: Benign (2); Likely benign (2). Last evaluated 2026-09-01.

Conditions:
Osteogenesis imperfecta type 8 (OI8). Identifiers: MedGen C1970458, MONDO:0012581, OMIM 610915.

Allele frequency attached by ClinVar (database versions not stated): 1000 Genomes Project 0.00120; 1000 Genomes Project 30x 0.00125; ExAC 0.00499; gnomAD exomes 0.00503 and 0.00826; TOPMed 0.00557; gnomAD 0.00568 and 0.00625; ESP Exome Variant Server 0.00753.
gnomAD v4.1: 12,851 of 1,614,196 alleles (0.8%); highest among the groups gnomAD compares: Non-Finnish European, 0.99%; 60 homozygotes.

Submissions (4):

CeGaT Center for Human Genetics Tuebingen
Classification: Likely benign. Last evaluated: 2026-09-01. Review status: criteria provided, single submitter. Criteria: CeGaT Center For Human Genetics Tuebingen Variant Classification Criteria Version 2. Collection method: clinical testing. Allele origin: germline. Affected: yes. Observed: 9 variant alleles.
Comment: P3H1: BP4, BS2

ARUP Laboratories, Molecular Genetics and Genomics, ARUP Laboratories
Classification: Benign for Osteogenesis imperfecta type 8. Last evaluated: 2025-05-06. Review status: criteria provided, single submitter. Criteria: ARUP Molecular Germline Variant Investigation Process 2024. Collection method: clinical testing. Allele origin: germline.

Genome-Nilou Lab
Classification: Benign for Osteogenesis imperfecta type 8. Last evaluated: 2023-04-11. Review status: criteria provided, single submitter. Criteria: ACMG Guidelines, 2015. Collection method: clinical testing. Allele origin: germline. Affected: no.

Breakthrough Genomics
Classification: Likely benign. Review status: criteria provided, single submitter. Criteria: ACMG Guidelines, 2015. Collection method: not provided. Allele origin: germline. Inheritance: Autosomal recessive inheritance. Affected: yes.